The following is an entry in ClinVar:

NM_032816.5(CEP89):c.404C>T (p.Ser135Phe)

Gene: CEP89 (centrosomal protein 89; minus strand). Cytogenetic location: 19q13.11.
Variant type: single nucleotide variant.
Coding change: c.404C>T on transcript NM_032816.5 (MANE Select); coding-DNA position 404, C replaced by T.
Protein change: p.Ser135Phe; replaces serine 135 with phenylalanine.
Molecular consequence: missense variant.
Genome position (GRCh38, 1-based): chr19:32,953,703, G>A on the plus strand (C>T on the coding strand, the complement: CEP89 is on the minus strand). VCF-style: chr19-32953703-G-A. GRCh37 (hg19) VCF-style: chr19-33444609-G-A.
Other names: c.404C>T (NM_032816.3); short protein forms S135F.
Identifiers: ClinVar variation 1434420 (VCV001434420.9), dbSNP rs1476881887, ClinGen allele CA9359762.
Genomic context (GRCh38, chr19:32,953,703, plus strand): 5'-TCATCACTGTGGCCTCCTCTGTCCTCCCGGGCACTGACATCCCCCAATTCCTTGCCGCTG[G>A]ATGACAGCTGAGTTTCAATGTCCTCTTCGTCCCCATAGTCCAGTGTTTCAAAGGATGGCA-3'
Protein context (NP_116205.3, residues 125-145): DEEDIETQLS[Ser135Phe]SGKELGDVSA

ClinVar aggregate classification (germline): Uncertain significance. Review status: criteria provided, multiple submitters, no conflicts (2 of 4 stars). 2 submissions from 2 submitters: Uncertain significance (2). Last evaluated 2025-02-06.

Allele frequency attached by ClinVar (database versions not stated): gnomAD 0.00001; gnomAD exomes 0.00001 and 0.00005; TOPMed 0.00002.
gnomAD v4.1: 8 of 1,613,890 alleles (0.0005%); highest among the groups gnomAD compares: Admixed American, 0.013%; no homozygotes.

Submissions (2):

Labcorp Genetics (formerly Invitae), Labcorp
Classification: Uncertain significance. Last evaluated: 2025-02-06. Review status: criteria provided, single submitter. Criteria: Invitae Variant Classification Sherloc (09022015). Collection method: clinical testing. Allele origin: germline.
Comment: This sequence change replaces serine, which is neutral and polar, with phenylalanine, which is neutral and non-polar, at codon 135 of the CEP89 protein (p.Ser135Phe). This variant is present in population databases (no rsID available, gnomAD 0.03%). This variant has not been reported in the literature in individuals affected with CEP89-related conditions. ClinVar contains an entry for this variant (Variation ID: 1434420). An algorithm developed to predict the effect of missense changes on protein structure and function (PolyPhen-2) suggests that this variant is likely to be tolerated. In summary, the available evidence is currently insufficient to determine the role of this variant in disease. Therefore, it has been classified as a Variant of Uncertain Significance.

Ambry Genetics
Classification: Uncertain significance. Last evaluated: 2024-09-26. Review status: criteria provided, single submitter. Criteria: Ambry Variant Classification Scheme 2023. Collection method: clinical testing. Allele origin: germline.